The following is an entry in ClinVar:

ClinVar aggregate classification (germline): Uncertain significance (1 of 4 stars; one submission).

gnomAD v4.1: 3 of 1,613,888 alleles (0.00019%); highest among the groups gnomAD compares: Middle Eastern, 0.017%; no homozygotes.

Submission:

Labcorp Genetics (formerly Invitae), Labcorp
Classification: Uncertain significance. Last evaluated: 2025-09-28. Review status: criteria provided, single submitter. Criteria: Invitae Variant Classification Sherloc (09022015). Collection method: clinical testing. Allele origin: germline.
Comment: This sequence change replaces arginine, which is basic and polar, with glycine, which is neutral and non-polar, at codon 501 of the MYSM1 protein (p.Arg501Gly). This variant is not present in population databases (gnomAD no frequency). This variant has not been reported in the literature in individuals affected with MYSM1-related conditions. Invitae Evidence Modeling of protein sequence and biophysical properties (such as structural, functional, and spatial information, amino acid conservation, physicochemical variation, residue mobility, and thermodynamic stability) indicates that this missense variant is expected to disrupt MYSM1 protein function with a positive predictive value of 80%. In summary, the available evidence is currently insufficient to determine the role of this variant in disease. Therefore, it has been classified as a Variant of Uncertain Significance.

NM_001085487.3(MYSM1):c.1501A>G (p.Arg501Gly)

Gene: MYSM1 (Myb like, SWIRM and MPN domains 1; minus strand). Cytogenetic location: 1p32.1.
Variant type: single nucleotide variant.
Coding change: c.1501A>G on transcript NM_001085487.3 (MANE Select); coding-DNA position 1501, A replaced by G.
Protein change: p.Arg501Gly; replaces arginine 501 with glycine.
Molecular consequence: missense variant.
Genome position (GRCh38, 1-based): chr1:58,673,644, T>C on the plus strand (A>G on the coding strand, the complement: MYSM1 is on the minus strand). VCF-style: chr1-58673644-T-C. GRCh37 (hg19) VCF-style: chr1-59139316-T-C.
Other names: short protein forms R501G.
Identifiers: ClinVar variation 4768667 (VCV004768667.1).